The following is an entry in ClinVar:

NM_000124.4(ERCC6):c.2690T>C (p.Leu897Pro)

Gene: ERCC6 (ERCC excision repair 6, chromatin remodeling factor; minus strand). Cytogenetic location: 10q11.23.
Variant type: single nucleotide variant.
Coding change: c.2690T>C on transcript NM_000124.4 (MANE Select); coding-DNA position 2690, T replaced by C.
Protein change: p.Leu897Pro; replaces leucine 897 with proline.
Molecular consequence: missense variant.
Genome position (GRCh38, 1-based): chr10:49,473,496, A>G on the plus strand (T>C on the coding strand, the complement: ERCC6 is on the minus strand). VCF-style: chr10-49473496-A-G. GRCh37 (hg19) VCF-style: chr10-50681542-A-G.
Other names: c.2690T>C, p.Leu897Pro (NM_001346440.2); short protein forms L897P.
Identifiers: ClinVar variation 4813851 (VCV004813851.1).

ClinVar aggregate classification (germline): Likely pathogenic (1 of 4 stars; one submission).

Conditions:
Cockayne syndrome type 2 (CSB). Also called: COCKAYNE SYNDROME B; Cockayne Syndrome, Type II. Identifiers: Orphanet 191, Orphanet 90322, MedGen C0751038, MONDO:0019570, OMIM 133540.

gnomAD v4.1: 1 of 1,608,360 alleles (0.000062%); highest among the groups gnomAD compares: Non-Finnish European, 0.000085%; no homozygotes.

Submission:

Medical Molecular Genetics Department, National Research Center
Classification: Likely pathogenic for Cockayne syndrome type 2. Last evaluated: 2025-01-01. Review status: criteria provided, single submitter. Criteria: ACMG Guidelines, 2015. Collection method: research. Allele origin: germline. Affected: yes. Observed: 1 variant allele.
Comment: The ERCC6(NM_000124.4):c.2690T>C, p.(Leu897Pro) variant is a missense change where the flexible branched side chain of leucine (L) is replaced by proline (P), introducing backbone rigidity, likely disrupting local secondary structure (helix breaker) in the C-terminal conserved Motif V of ATPase domain of of the CSB protein despite gene-level LoF preference per expert judgment ( PMID: 26749132; PM1). This missense varaint is located It is extremely rare in population databases at 1 in 1,608,360 chromosomes (gnomAD frequency 6.218e-7) , PM2). Multiple line of computational evidence classify as damaging (REVEL score=0.9; PP3). In summary, this variant meets criteria for likely pathogenic based on the ACMG criteria: PM1, PM2 , PP3 and PP4.